The following is an entry in ClinVar:

ClinVar aggregate classification (germline): Uncertain significance (1 of 4 stars; one submission).

Conditions:
Familial meningioma. Also called: Meningioma, familial, susceptibility to. Identifiers: Orphanet 263662, MedGen C3551915, MONDO:0011789, OMIM 607174.

Submission:

Labcorp Genetics (formerly Invitae), Labcorp
Classification: Uncertain significance for Familial meningioma. Last evaluated: 2020-05-11. Review status: criteria provided, single submitter. Criteria: Invitae Variant Classification Sherloc (09022015). Collection method: clinical testing. Allele origin: germline.
Comment: In summary, the available evidence is currently insufficient to determine the role of this variant in disease. Therefore, it has been classified as a Variant of Uncertain Significance. Algorithms developed to predict the effect of missense changes on protein structure and function are either unavailable or do not agree on the potential impact of this missense change (SIFT: "Tolerated"; PolyPhen-2: "Possibly Damaging"; Align-GVGD: "Class C0"). This variant has not been reported in the literature in individuals with SMARCE1-related conditions. This variant is not present in population databases (ExAC no frequency). This sequence change replaces serine with glycine at codon 391 of the SMARCE1 protein (p.Ser391Gly). The serine residue is moderately conserved and there is a small physicochemical difference between serine and glycine.

NM_003079.5(SMARCE1):c.1171A>G (p.Ser391Gly)

Gene: SMARCE1 (SWI/SNF related BAF chromatin remodeling complex subunit E1; minus strand). Cytogenetic location: 17q21.2.
Variant type: single nucleotide variant.
Coding change: c.1171A>G on transcript NM_003079.5 (MANE Select); coding-DNA position 1171, A replaced by G.
Protein change: p.Ser391Gly; replaces serine 391 with glycine.
Molecular consequence: missense variant.
Genome position (GRCh38, 1-based): chr17:40,628,850, T>C on the plus strand (A>G on the coding strand, the complement: SMARCE1 is on the minus strand). VCF-style: chr17-40628850-T-C. GRCh37 (hg19) VCF-style: chr17-38785102-T-C.
Other names: short protein forms S391G.
Identifiers: ClinVar variation 1063929 (VCV001063929.9), dbSNP rs2143980380, ClinGen allele CA399361028.